The following is an entry in ClinVar:

ClinVar aggregate classification (germline): Likely pathogenic (1 of 4 stars; one submission).

Conditions:
Cardiovascular phenotype. Identifiers: MedGen CN230736.
Hereditary cancer-predisposing syndrome. Also called: Tumor predisposition; Neoplastic Syndromes, Hereditary; Hereditary Cancer Syndrome; Hereditary neoplastic syndrome. Identifiers: Orphanet 140162, MedGen C0027672, MeSH D009386, MONDO:0015356.

Submission:

Ambry Genetics
Classification: Likely pathogenic for Cardiovascular phenotype; Hereditary cancer-predisposing syndrome. Last evaluated: 2025-02-20. Review status: criteria provided, single submitter. Criteria: Ambry Variant Classification Scheme 2023. Collection method: clinical testing. Allele origin: germline.
Comment: The c.2324_2325delAG variant, located in coding exon 19 of the NF1 gene, results from a deletion of two nucleotides at nucleotide positions 2324 to 2325. This variant was reported in individual(s) with features consistent with Neurofibromatosis type 1 (Ambry internal data). In silico splice site analysis predicts that this alteration will weaken the native splice donor site and will result in the creation or strengthening of a novel splice donor site. RNA studies have demonstrated that this alteration results in abnormal splicing in the set of samples tested (Ambry internal data). This nucleotide position is highly conserved in available vertebrate species. This variant is considered to be rare based on population cohorts in the Genome Aggregation Database (gnomAD). Based on the majority of available evidence to date, this variant is likely to be pathogenic.

NM_001042492.3(NF1):c.2324_2325del (p.Glu775fs)

Gene: NF1 (neurofibromin 1; plus strand). Cytogenetic location: 17q11.2.
Variant type: Deletion.
Coding change: c.2324_2325del on transcript NM_001042492.3 (MANE Select); coding-DNA positions 2324 to 2325, 2 bases deleted (AG; older notation c.2324_2325delAG).
Protein change: p.Glu775fs; shifts the reading frame from glutamic acid 775.
Molecular consequence: frameshift variant.
Genome position (GRCh38, 1-based): chr17:31,227,290-31,227,291, AG deleted; deleting any 2 consecutive bases within chr17:31,227,289-31,227,291 gives the same sequence; the c. name uses the placement nearest the transcript's 3' end. VCF-style (leftmost placement, unchanged base first): chr17-31227288-TGA-T. GRCh37 (hg19) VCF-style: chr17-29554306-TGA-T.
Other names: c.2324_2325delAG, p.Glu775Glyfs (NM_000267.4); c.2324_2325delAG (NM_000267.3); short protein forms E775fs.
Identifiers: ClinVar variation 3879094 (VCV003879094.1).